The following is an entry in ClinVar:

ClinVar aggregate classification (germline): Conflicting classifications of pathogenicity. Review status: criteria provided, conflicting classifications (1 of 4 stars). 4 submissions from 4 submitters: Uncertain significance (1); Benign (1); Likely benign (1). 1 of the submissions does not count toward it. Last evaluated 2024-11-27.

Conditions:
ATN1-related disorder. Also called: ATN1-related disorders; ATN1-related condition.

Submissions (4):

Blueprint Genetics
Classification: Likely benign. Last evaluated: 2024-11-27. Review status: criteria provided, single submitter. Criteria: ACMG Guidelines, 2015. Collection method: clinical testing. Allele origin: germline.

Mayo Clinic Laboratories, Mayo Clinic
Classification: Benign. Last evaluated: 2022-08-02. Review status: criteria provided, single submitter. Criteria: ACMG Guidelines, 2015. Collection method: clinical testing. Allele origin: germline. Observed: 8 variant alleles.

Laboratorio de Genetica e Diagnostico Molecular, Hospital Israelita Albert Einstein
Classification: Uncertain significance. Last evaluated: 2021-03-31. Review status: criteria provided, single submitter. Criteria: ACMG Guidelines, 2015. Collection method: clinical testing. Allele origin: germline. Affected: yes.
Comment: ACMG classification criteria: PM2

PreventionGenetics, part of Exact Sciences
Classification: Likely benign for ATN1-related condition. Last evaluated: 2019-09-10. Review status: no assertion criteria provided. Collection method: clinical testing. Allele origin: germline. Not counted in ClinVar's aggregate classification.
Comment: This variant is classified as likely benign based on ACMG/AMP sequence variant interpretation guidelines (Richards et al. 2015 PMID: 25741868, with internal and published modifications).

NM_001940.4(ATN1):c.1464GCA[11] (p.Gln499_Gln502del)

Genes: ATN1 (atrophin 1; plus strand), LOC109461484 (atrophin 1 repeat instability region; plus strand). Cytogenetic location: 12p13.31.
Variant type: Microsatellite.
Coding change: c.1464GCA[11] on transcript NM_001940.4 (MANE Select); 11 copies in a row of the 3-base unit GCA starting at c.1464; the reference has 15 copies in a row; four copies, 12 bases deleted.
Protein change: p.Gln499_Gln502del.
Molecular consequence: inframe deletion.
Genome position (GRCh38, 1-based): chr12:6,936,764-6,936,775, GCAGCAGCAGCA deleted; deleting any 12 consecutive bases within chr12:6,936,729-6,936,775 gives the same sequence; the position shown is the placement nearest the transcript's 3' end. VCF-style (leftmost placement, unchanged base first): chr12-6936728-ACAGCAGCAGCAG-A. GRCh37 (hg19) VCF-style: chr12-7045891-ACAGCAGCAGCAG-A.
Other names: p.Gln499_Gln502del; c.1464GCA[11], p.Gln499_Gln502del (NM_001007026.2); c.1462_1473del (NM_001940.4); c.1497_1508del (NM_001007026.2).
Identifiers: ClinVar variation 1691010 (VCV001691010.6), dbSNP rs60216939, ClinGen allele CA691359116.
Genomic context (GRCh38, chr12:6,936,728, plus strand): 5'-GGCCCAGTCCACCGCCCACCCACCAGTCTCAACACATCACCATCACCACCAGCAACAGCA[ACAGCAGCAGCAG>A]CAGCAGCAGCAGCAGCAGCAGCAGCAGCAGCAGCATCACGGAAACTCTGGGCCCCCTCCT-3'